The following is an entry in ClinVar:

ClinVar aggregate classification (germline): Pathogenic (1 of 4 stars; one submission).

Conditions:
Tuberous sclerosis 2 (TSC2). Identifiers: Orphanet 805, MedGen C1860707, MONDO:0013199, OMIM 613254.

Submission:

Labcorp Genetics (formerly Invitae), Labcorp
Classification: Pathogenic for Tuberous sclerosis 2. Last evaluated: 2024-03-16. Review status: criteria provided, single submitter. Criteria: Invitae Variant Classification Sherloc (09022015). Collection method: clinical testing. Allele origin: germline.
Comment: This sequence change creates a premature translational stop signal (p.Glu92Alafs*27) in the TSC2 gene. It is expected to result in an absent or disrupted protein product. Loss-of-function variants in TSC2 are known to be pathogenic (PMID: 10205261, 17304050). This variant is not present in population databases (gnomAD no frequency). This variant has not been reported in the literature in individuals affected with TSC2-related conditions. For these reasons, this variant has been classified as Pathogenic.

Literature cited by the submitters: PubMed 10205261; PubMed 17304050.

NM_000548.5(TSC2):c.275_294del (p.Glu92fs)

Gene: TSC2 (TSC complex subunit 2; plus strand). Cytogenetic location: 16p13.3.
Variant type: Deletion.
Coding change: c.275_294del on transcript NM_000548.5 (MANE Select); coding-DNA positions 275 to 294, 20 bases deleted (AGCGGCCGCTGGAGGCCCGG).
Protein change: p.Glu92fs; shifts the reading frame from glutamic acid 92.
Molecular consequence: frameshift variant. On other transcripts: 5 prime UTR variant (14), non-coding transcript variant (5), intron variant (9).
Genome position (GRCh38, 1-based): chr16:2,053,391-2,053,410, AGCGGCCGCTGGAGGCCCGG deleted; deleting any 20 consecutive bases within chr16:2,053,387-2,053,410 gives the same sequence; the c. name uses the placement nearest the transcript's 3' end. VCF-style (leftmost placement, unchanged base first): chr16-2053386-GCCGGAGCGGCCGCTGGAGGC-G. GRCh37 (hg19) VCF-style: chr16-2103387-GCCGGAGCGGCCGCTGGAGGC-G.
Other names: c.275_294del, p.Glu92fs (NM_001077183.3, NM_001114382.3, NM_001363528.2 and 10 more transcripts); c.128_147del, p.Glu43fs (NM_001318829.2, NM_001406675.1, NM_001406676.1 and 2 more transcripts); c.308_327del, p.Glu103fs (NM_001318832.2); c.-542_-523del (NM_001406680.1, NM_001406683.1, NM_001406687.1); c.-171_-152del (NM_001406681.1); c.-1157_-1138del (NM_001406689.1, NM_001406690.1, NM_001406691.1 and 2 more transcripts); c.-1463_-1444del (NM_001406693.1); c.-1038_-1019del (NM_001406694.1, NM_001406695.1); and 4 more; short protein forms E92fs, E103fs, E43fs.
Identifiers: ClinVar variation 3642723 (VCV003642723.2).
Genomic context (GRCh38, chr16:2,053,386, plus strand): 5'-CCTCTGCTGGTGACAGCACGCAGTGGAAGCACTCTGGAAGGCGGTCGCGGATCTGTTGCA[GCCGGAGCGGCCGCTGGAGGC>G]CCGGCACGCGGTGCTGGCTCTGCTGAAGGCCATCGTGCAGGGGCAGGTAAGGCCCAGGGC-3'